The following is an entry in ClinVar:

NM_004656.4(BAP1):c.660-9_660-4del

Gene: BAP1 (BRCA1 associated deubiquitinase 1; minus strand). Cytogenetic location: 3p21.1.
Variant type: Deletion.
Coding change: c.660-9_660-4del on transcript NM_004656.4 (MANE Select); 9 bases into the intron before coding-DNA position 660 through 4 bases into the intron before coding-DNA position 660, 6 bases deleted (TGACTG; older notation c.660-9_660-4delTGACTG).
Molecular consequence: intron variant.
Genome position (GRCh38, 1-based): chr3:52,406,380-52,406,385, CAGTCA deleted on the plus strand (TGACTG on the coding strand, the reverse complement: BAP1 is on the minus strand); deleting any 6 consecutive bases within chr3:52,406,380-52,406,388 gives the same sequence; the c. name uses the placement nearest the transcript's 3' end. VCF-style (leftmost placement, unchanged base first): chr3-52406379-GCAGTCA-G. GRCh37 (hg19) VCF-style: chr3-52440395-GCAGTCA-G.
Other names: c.660-9_660-4delTGACTG (NM_004656.2).
Identifiers: ClinVar variation 1337359 (VCV001337359.6), dbSNP rs2153227505, ClinGen allele CA2573052223.

ClinVar aggregate classification (germline): Uncertain significance. Review status: criteria provided, multiple submitters, no conflicts (2 of 4 stars). 3 submissions from 3 submitters: Uncertain significance (3). Last evaluated 2026-02-12.

Conditions:
BAP1-related tumor predisposition syndrome (TPDS1). Also called: Tumor susceptibility linked to germline BAP1 mutations; TUMOR PREDISPOSITION SYNDROME 1; BAP1 tumor predisposition syndrome; COMMON Syndrome. Identifiers: Orphanet 289539, MedGen C3280492, MONDO:0013692, OMIM 614327.
Hereditary cancer-predisposing syndrome. Also called: Hereditary neoplastic syndrome; Tumor predisposition; Neoplastic Syndromes, Hereditary; Hereditary Cancer Syndrome. Identifiers: Orphanet 140162, MedGen C0027672, MeSH D009386, MONDO:0015356.

Submissions (3):

Ambry Genetics
Classification: Uncertain significance for Hereditary cancer-predisposing syndrome. Last evaluated: 2026-02-12. Review status: criteria provided, single submitter. Criteria: Ambry Variant Classification Scheme 2023. Collection method: clinical testing. Allele origin: germline.
Comment: The c.660-9_660-4delTGACTG intronic variant, located in intron 8 of the BAP1 gene, results from a deletion of 6 nucleotides within intron 8 of the BAP1 gene. This nucleotide region is well conserved in available vertebrate species. Based on the available evidence, the clinical significance of this variant remains unclear.

Labcorp Genetics (formerly Invitae), Labcorp
Classification: Uncertain significance for BAP1-related tumor predisposition syndrome. Last evaluated: 2026-01-18. Review status: criteria provided, single submitter. Criteria: Invitae Variant Classification Sherloc (09022015). Collection method: clinical testing. Allele origin: germline.
Comment: This sequence change falls in intron 8 of the BAP1 gene. It does not directly change the encoded amino acid sequence of the BAP1 protein. This variant is not present in population databases (gnomAD no frequency). This variant has not been reported in the literature in individuals affected with BAP1-related conditions. ClinVar contains an entry for this variant (Variation ID: 1337359). Algorithms developed to predict the effect of sequence changes on RNA splicing suggest that this variant may disrupt the consensus splice site. In summary, the available evidence is currently insufficient to determine the role of this variant in disease. Therefore, it has been classified as a Variant of Uncertain Significance.

Genetic Services Laboratory, University of Chicago
Classification: Uncertain significance. Last evaluated: 2019-09-12. Review status: criteria provided, single submitter. Criteria: ACMG Guidelines, 2015. Collection method: clinical testing. Allele origin: germline. Affected: no.